The following is an entry in ClinVar:

NM_001042492.3(NF1):c.2596C>T (p.Pro866Ser)

Gene: NF1 (neurofibromin 1; plus strand). Cytogenetic location: 17q11.2.
Variant type: single nucleotide variant.
Coding change: c.2596C>T on transcript NM_001042492.3 (MANE Select); coding-DNA position 2596, C replaced by T.
Protein change: p.Pro866Ser; replaces proline 866 with serine.
Molecular consequence: missense variant.
Genome position (GRCh38, 1-based): chr17:31,229,211, C>T. VCF-style: chr17-31229211-C-T. GRCh37 (hg19) VCF-style: chr17-29556229-C-T.
Other names: c.2596C>T, p.Pro866Ser (NM_000267.4); short protein forms P866S.
Identifiers: ClinVar variation 527426 (VCV000527426.8), dbSNP rs1555614272, ClinGen allele CA398984419.

ClinVar aggregate classification (germline): Uncertain significance. Review status: criteria provided, multiple submitters, no conflicts (2 of 4 stars). 2 submissions from 2 submitters: Uncertain significance (2). Last evaluated 2025-01-17.

Conditions:
Cardiovascular phenotype. Identifiers: MedGen CN230736.
Hereditary cancer-predisposing syndrome. Also called: Neoplastic Syndromes, Hereditary; Tumor predisposition; Hereditary neoplastic syndrome; Hereditary Cancer Syndrome. Identifiers: Orphanet 140162, MedGen C0027672, MeSH D009386, MONDO:0015356.
Neurofibromatosis, type 1 (NF1). Also called: VON RECKLINGHAUSEN DISEASE; NEUROFIBROMATOSIS, TYPE I, SOMATIC; Peripheral type neurofibromatosis; Neurofibromatosis, type I. Identifiers: Orphanet 636, MedGen C0027831, MONDO:0018975, OMIM 162200. Disease mechanism: loss of function.

Submissions (2):

Ambry Genetics
Classification: Uncertain significance for Cardiovascular phenotype; Hereditary cancer-predisposing syndrome. Last evaluated: 2025-01-17. Review status: criteria provided, single submitter. Criteria: Ambry Variant Classification Scheme 2023. Collection method: clinical testing. Allele origin: germline.
Comment: The p.P866S variant (also known as c.2596C>T), located in coding exon 21 of the NF1 gene, results from a C to T substitution at nucleotide position 2596. The proline at codon 866 is replaced by serine, an amino acid with similar properties. This amino acid position is highly conserved in available vertebrate species. In addition, this alteration is predicted to be deleterious by in silico analysis. Based on the available evidence, the clinical significance of this variant remains unclear.

Labcorp Genetics (formerly Invitae), Labcorp
Classification: Uncertain significance for Neurofibromatosis, type 1. Last evaluated: 2019-06-28. Review status: criteria provided, single submitter. Criteria: Invitae Variant Classification Sherloc (09022015). Collection method: clinical testing. Allele origin: germline.
Comment: In summary, the available evidence is currently insufficient to determine the role of this variant in disease. Therefore, it has been classified as a Variant of Uncertain Significance. Algorithms developed to predict the effect of missense changes on protein structure and function are either unavailable or do not agree on the potential impact of this missense change (SIFT: "Deleterious"; PolyPhen-2: "Probably Damaging"; Align-GVGD: "Class C0"). This variant has not been reported in the literature in individuals with NF1-related conditions. ClinVar contains an entry for this variant (Variation ID: 527426). This variant is not present in population databases (ExAC no frequency). This sequence change replaces proline with serine at codon 866 of the NF1 protein (p.Pro866Ser). The proline residue is moderately conserved and there is a moderate physicochemical difference between proline and serine.